The following is an entry in ClinVar:

ClinVar aggregate classification (germline): Conflicting classifications of pathogenicity. Review status: criteria provided, conflicting classifications (1 of 4 stars). 3 submissions from 3 submitters: Uncertain significance (1); Likely benign (1). 1 of the submissions does not count toward it. Last evaluated 2023-10-28.

Conditions:
Microcephalic osteodysplastic primordial dwarfism type II (MOPD2). Also called: Microcephalic osteodysplastic primordial dwarfism with tooth abnormalities; MOPD II; OSTEODYSPLASTIC PRIMORDIAL DWARFISM, TYPE II. Identifiers: Orphanet 2637, MedGen C0432246, MONDO:0008872, OMIM 210720.
PCNT-related disorder. Also called: PCNT-related condition.

Allele frequency attached by ClinVar (database versions not stated): ExAC 0.00003; TOPMed 0.00007; 1000 Genomes Project 30x 0.00016.
gnomAD v4.1: 79 of 1,604,428 alleles (0.0049%); highest among the groups gnomAD compares: Non-Finnish European, 0.0061%; no homozygotes.

Submissions (3):

Labcorp Genetics (formerly Invitae), Labcorp
Classification: Likely benign. Last evaluated: 2023-10-28. Review status: criteria provided, single submitter. Criteria: Invitae Variant Classification Sherloc (09022015). Collection method: clinical testing. Allele origin: germline.

Illumina Laboratory Services, Illumina
Classification: Uncertain significance for Microcephalic osteodysplastic primordial dwarfism type II. Last evaluated: 2017-11-06. Review status: criteria provided, single submitter. Criteria: ICSL Variant Classification Criteria 13 December 2019. Collection method: clinical testing. Allele origin: germline.

PreventionGenetics, part of Exact Sciences
Classification: Likely benign for PCNT-related condition. Last evaluated: 2024-03-01. Review status: no assertion criteria provided. Collection method: clinical testing. Allele origin: germline. Not counted in ClinVar's aggregate classification.
Comment: This variant is classified as likely benign based on ACMG/AMP sequence variant interpretation guidelines (Richards et al. 2015 PMID: 25741868, with internal and published modifications).

NM_006031.6(PCNT):c.8996+10C>G

Gene: PCNT (pericentrin; plus strand). Cytogenetic location: 21q22.3.
Variant type: single nucleotide variant.
Coding change: c.8996+10C>G on transcript NM_006031.6 (MANE Select); 10 bases into the intron after coding-DNA position 8996, C replaced by G.
Molecular consequence: intron variant.
Genome position (GRCh38, 1-based): chr21:46,436,158, C>G. VCF-style: chr21-46436158-C-G. GRCh37 (hg19) VCF-style: chr21-47856071-C-G.
Other names: c.8405+10C>G (NM_001315529.2).
Identifiers: ClinVar variation 896244 (VCV000896244.8), dbSNP rs748036380, ClinGen allele CA10081149.